The following is an entry in ClinVar:

NM_000057.4(BLM):c.506T>G (p.Phe169Cys)

Gene: BLM (BLM RecQ like helicase; plus strand). Cytogenetic location: 15q26.1.
Variant type: single nucleotide variant.
Coding change: c.506T>G on transcript NM_000057.4 (MANE Select); coding-DNA position 506, T replaced by G.
Protein change: p.Phe169Cys; replaces phenylalanine 169 with cysteine.
Molecular consequence: missense variant. On other transcripts: 5 prime UTR variant (1).
Genome position (GRCh38, 1-based): chr15:90,749,774, T>G. VCF-style: chr15-90749774-T-G. GRCh37 (hg19) VCF-style: chr15-91293004-T-G.
Other names: c.506T>G, p.Phe169Cys (NM_001287246.2, NM_001287247.2); c.-786T>G (NM_001287248.2); c.506T>G (NM_000057.2); short protein forms F169C.
Identifiers: ClinVar variation 454156 (VCV000454156.15), dbSNP rs1013299710, ClinGen allele CA274728172.

ClinVar aggregate classification (germline): Uncertain significance. Review status: criteria provided, multiple submitters, no conflicts (2 of 4 stars). 3 submissions from 3 submitters: Uncertain significance (2). 1 of the submissions does not count toward it. Last evaluated 2025-02-14.

Conditions:
Hereditary cancer-predisposing syndrome. Also called: Hereditary Cancer Syndrome; Hereditary neoplastic syndrome; Neoplastic Syndromes, Hereditary; Tumor predisposition. Identifiers: Orphanet 140162, MedGen C0027672, MeSH D009386, MONDO:0015356.
Bloom syndrome (BLM). Also called: Bloom-Torre-Machacek syndrome. Identifiers: Orphanet 125, MedGen C0005859, MONDO:0008876, OMIM 210900.

Allele frequency attached by ClinVar (database versions not stated): gnomAD 0.00001; TOPMed 0.00003.
gnomAD v4.1: 1 of 1,612,710 alleles (0.000062%); no homozygotes.

Submissions (3):

Ambry Genetics
Classification: Uncertain significance for Hereditary cancer-predisposing syndrome. Last evaluated: 2025-02-14. Review status: criteria provided, single submitter. Criteria: Ambry Variant Classification Scheme 2023. Collection method: clinical testing. Allele origin: germline.
Comment: The p.F169C variant (also known as c.506T>G), located in coding exon 2 of the BLM gene, results from a T to G substitution at nucleotide position 506. The phenylalanine at codon 169 is replaced by cysteine, an amino acid with highly dissimilar properties. This amino acid position is well conserved in available vertebrate species. In addition, the in silico prediction for this alteration is inconclusive. Since supporting evidence is limited at this time, the clinical significance of this alteration remains unclear.

Labcorp Genetics (formerly Invitae), Labcorp
Classification: Uncertain significance for Bloom syndrome. Last evaluated: 2023-07-28. Review status: criteria provided, single submitter. Criteria: Invitae Variant Classification Sherloc (09022015). Collection method: clinical testing. Allele origin: germline.
Comment: In summary, the available evidence is currently insufficient to determine the role of this variant in disease. Therefore, it has been classified as a Variant of Uncertain Significance. An algorithm developed to predict the effect of missense changes on protein structure and function (PolyPhen-2) suggests that this variant is likely to be disruptive. ClinVar contains an entry for this variant (Variation ID: 454156). This variant has not been reported in the literature in individuals affected with BLM-related conditions. This variant is not present in population databases (gnomAD no frequency). This sequence change replaces phenylalanine, which is neutral and non-polar, with cysteine, which is neutral and slightly polar, at codon 169 of the BLM protein (p.Phe169Cys).

Natera, Inc.
Classification: Uncertain significance for Bloom syndrome. Last evaluated: 2020-09-16. Review status: no assertion criteria provided. Collection method: clinical testing. Allele origin: germline. Not counted in ClinVar's aggregate classification.